The following is an entry in ClinVar:

NM_018984.4(SSH1):c.2261C>T (p.Ser754Phe)

Gene: SSH1 (slingshot protein phosphatase 1; minus strand). Cytogenetic location: 12q24.11.
Variant type: single nucleotide variant.
Coding change: c.2261C>T on transcript NM_018984.4 (MANE Select); coding-DNA position 2261, C replaced by T.
Protein change: p.Ser754Phe; replaces serine 754 with phenylalanine.
Molecular consequence: missense variant.
Genome position (GRCh38, 1-based): chr12:108,788,877, G>A on the plus strand (C>T on the coding strand, the complement: SSH1 is on the minus strand). VCF-style: chr12-108788877-G-A. GRCh37 (hg19) VCF-style: chr12-109182653-G-A.
Other names: short protein forms S754F.
Identifiers: ClinVar variation 3043810 (VCV003043810.2), dbSNP rs151176410, ClinGen allele CA6770017.

ClinVar aggregate classification (germline): Likely benign (0 of 4 stars; one submission).

Conditions:
SSH1-related disorder. Also called: SSH1-related condition.

Allele frequency attached by ClinVar (database versions not stated): 1000 Genomes Project 30x 0.00016; 1000 Genomes Project 0.00020; TOPMed 0.00125; gnomAD 0.00127; ExAC 0.00147; ESP Exome Variant Server 0.00177; gnomAD exomes 0.00215.
gnomAD v4.1: 3,287 of 1,614,238 alleles (0.2%); highest among the groups gnomAD compares: Non-Finnish European, 0.26%; 7 homozygotes.

Submission:

PreventionGenetics, part of Exact Sciences
Classification: Likely benign for SSH1-related condition. Last evaluated: 2022-02-10. Review status: no assertion criteria provided. Collection method: clinical testing. Allele origin: germline.
Comment: This variant is classified as likely benign based on ACMG/AMP sequence variant interpretation guidelines (Richards et al. 2015 PMID: 25741868, with internal and published modifications).